The following is an entry in ClinVar:

NM_012414.4(RAB3GAP2):c.2091dup (p.Val698fs)

Gene: RAB3GAP2 (RAB3 GTPase activating non-catalytic protein subunit 2; minus strand). Cytogenetic location: 1q41.
Variant type: Duplication.
Coding change: c.2091dup on transcript NM_012414.4 (MANE Select); coding-DNA position 2091, one base duplicated (T; older notation c.2091dupT).
Protein change: p.Val698fs; shifts the reading frame from valine 698.
Molecular consequence: frameshift variant.
Genome position (GRCh38, 1-based): chr1:220,182,839, A duplicated on the plus strand (T on the coding strand, the reverse complement: RAB3GAP2 is on the minus strand). VCF-style (leftmost placement, unchanged base first): chr1-220182838-C-CA. GRCh37 (hg19) VCF-style: chr1-220356180-C-CA.
Other names: short protein forms V698fs.
Identifiers: ClinVar variation 2636344 (VCV002636344.1), dbSNP rs2528663434, ClinGen allele CA2695200026.

ClinVar aggregate classification (germline): Likely pathogenic (1 of 4 stars; one submission).

Conditions:
RAB3GAP2-related disorder. Also called: RAB3GAP2-related disorders; RAB3GAP2-related condition.

Submission:

PreventionGenetics, part of Exact Sciences
Classification: Likely pathogenic for RAB3GAP2-related condition. Last evaluated: 2022-08-26. Review status: criteria provided, single submitter. Criteria: ACMG Guidelines, 2015. Collection method: clinical testing. Allele origin: germline.
Comment: The RAB3GAP2 c.2091dupT variant is predicted to result in a frameshift and premature protein termination (p.Val698Cysfs*5). To our knowledge, this variant has not been reported in the literature or in a large population database, indicating this variant is rare. Frameshift variants in RAB3GAP2 are expected to be pathogenic. This variant is interpreted as likely pathogenic.